The following is an entry in ClinVar:

NM_016938.5(EFEMP2):c.290C>A (p.Pro97Gln)

Gene: EFEMP2 (EGF containing fibulin extracellular matrix protein 2; minus strand). Cytogenetic location: 11q13.1.
Variant type: single nucleotide variant.
Coding change: c.290C>A on transcript NM_016938.5 (MANE Select); coding-DNA position 290, C replaced by A.
Protein change: p.Pro97Gln; replaces proline 97 with glutamine.
Molecular consequence: missense variant. On other transcripts: non-coding transcript variant (1).
Genome position (GRCh38, 1-based): chr11:65,871,234, G>T on the plus strand (C>A on the coding strand, the complement: EFEMP2 is on the minus strand). VCF-style: chr11-65871234-G-T. GRCh37 (hg19) VCF-style: chr11-65638705-G-T.
Other names: short protein forms P97Q.
Identifiers: ClinVar variation 1797559 (VCV001797559.2), dbSNP rs779247685, ClinGen allele CA381309497.
Genomic context (GRCh38, chr11:65,871,234, plus strand): 5'-TCGTCGGGCTCATAGCCTGGTGGGCAGGGGTTGGGGTGTTGAGCGGGAGGCACTGGTGGC[G>T]GGGGTCCCTCGCCGTGTAGGTCGTTGATGACGGCAGCGGAGCGGGGCAGGCACAAGTAGC-3'
Protein context (NP_058634.4, residues 87-107): VINDLHGEGP[Pro97Gln]PPVPPAQHPN

ClinVar aggregate classification (germline): Uncertain significance (1 of 4 stars; one submission).

Conditions:
Cardiovascular phenotype. Identifiers: MedGen CN230736.

Submission:

Ambry Genetics
Classification: Uncertain significance for Cardiovascular phenotype. Last evaluated: 2021-08-10. Review status: criteria provided, single submitter. Criteria: Ambry Variant Classification Scheme 2023. Collection method: clinical testing. Allele origin: germline.
Comment: The p.P97Q variant (also known as c.290C>A), located in coding exon 3 of the EFEMP2 gene, results from a C to A substitution at nucleotide position 290. The proline at codon 97 is replaced by glutamine, an amino acid with similar properties. This amino acid position is conserved. In addition, the in silico prediction for this alteration is inconclusive. Since supporting evidence is limited at this time, the clinical significance of this alteration remains unclear.